The following is an entry in ClinVar:

ClinVar aggregate classification (germline): Uncertain significance. Review status: criteria provided, multiple submitters, no conflicts (2 of 4 stars). 3 submissions from 3 submitters: Uncertain significance (3). Last evaluated 2025-06-28.

Allele frequency attached by ClinVar (database versions not stated): gnomAD exomes below 0.00001 and 0.00002; gnomAD 0.00001 and 0.00002; ExAC 0.00002; TOPMed 0.00002; 1000 Genomes Project 30x 0.00016; 1000 Genomes Project 0.00020.
gnomAD v4.1: 10 of 1,612,928 alleles (0.00062%); highest among the groups gnomAD compares: East Asian, 0.013%; no homozygotes.

Submissions (3):

Ambry Genetics
Classification: Uncertain significance. Last evaluated: 2025-06-28. Review status: criteria provided, single submitter. Criteria: Ambry Variant Classification Scheme 2023. Collection method: clinical testing. Allele origin: germline.
Comment: The p.S283A variant (also known as c.847T>G), located in coding exon 9 of the RASA2 gene, results from a T to G substitution at nucleotide position 847. The serine at codon 283 is replaced by alanine, an amino acid with similar properties. This amino acid position is conserved. In addition, this alteration is predicted to be tolerated by in silico analysis. Based on the available evidence, the clinical significance of this variant remains unclear.

Labcorp Genetics (formerly Invitae), Labcorp
Classification: Uncertain significance. Last evaluated: 2023-07-31. Review status: criteria provided, single submitter. Criteria: Invitae Variant Classification Sherloc (09022015). Collection method: clinical testing. Allele origin: germline.
Comment: This sequence change replaces serine, which is neutral and polar, with alanine, which is neutral and non-polar, at codon 283 of the RASA2 protein (p.Ser283Ala). This variant is present in population databases (rs186067272, gnomAD 0.03%). This variant has not been reported in the literature in individuals affected with RASA2-related conditions. ClinVar contains an entry for this variant (Variation ID: 1683320). Advanced modeling of protein sequence and biophysical properties (such as structural, functional, and spatial information, amino acid conservation, physicochemical variation, residue mobility, and thermodynamic stability) performed at Invitae indicates that this missense variant is not expected to disrupt RASA2 protein function. In summary, the available evidence is currently insufficient to determine the role of this variant in disease. Therefore, it has been classified as a Variant of Uncertain Significance.

Women's Health and Genetics/Laboratory Corporation of America, LabCorp
Classification: Uncertain significance. Last evaluated: 2022-04-24. Review status: criteria provided, single submitter. Criteria: LabCorp Variant Classification Summary - May 2015. Collection method: clinical testing. Allele origin: germline.

NM_006506.5(RASA2):c.847T>G (p.Ser283Ala)

Gene: RASA2 (RAS p21 protein activator 2; plus strand). Cytogenetic location: 3q23.
Variant type: single nucleotide variant.
Coding change: c.847T>G on transcript NM_006506.5 (MANE Select); coding-DNA position 847, T replaced by G.
Protein change: p.Ser283Ala; replaces serine 283 with alanine.
Molecular consequence: missense variant.
Genome position (GRCh38, 1-based): chr3:141,559,979, T>G. VCF-style: chr3-141559979-T-G. GRCh37 (hg19) VCF-style: chr3-141278821-T-G.
Other names: c.847T>G, p.Ser283Ala (NM_001303245.3, NM_001303246.3); c.847T>G (NM_006506.2); short protein forms S283A.
Identifiers: ClinVar variation 1683320 (VCV001683320.6), dbSNP rs186067272, ClinGen allele CA2645333.